The following is an entry in ClinVar:

ClinVar aggregate classification (germline): Conflicting classifications of pathogenicity. Review status: criteria provided, conflicting classifications (1 of 4 stars). 2 submissions from 2 submitters: Uncertain significance (1); Likely benign (1). Last evaluated 2025-01-08.

Conditions:
Cardiovascular phenotype. Identifiers: MedGen CN230736.

gnomAD v4.1: 8 of 1,542,930 alleles (0.00052%); highest among the groups gnomAD compares: Non-Finnish European, 0.0007%; no homozygotes.

Submissions (2):

Ambry Genetics
Classification: Likely benign for Cardiovascular phenotype. Last evaluated: 2025-01-08. Review status: criteria provided, single submitter. Criteria: Ambry Variant Classification Scheme 2023. Collection method: clinical testing. Allele origin: germline.

GeneDx
Classification: Uncertain significance. Last evaluated: 2019-07-10. Review status: criteria provided, single submitter. Criteria: GeneDx Variant Classification Process June 2021. Collection method: clinical testing. Allele origin: germline. Affected: yes.
Comment: Has not been previously published as pathogenic or benign to our knowledge; Not observed at a significant frequency in large population cohorts (Lek et al., 2016); In silico analysis, which includes protein predictors and evolutionary conservation, supports that this variant does not alter protein structure/function

NM_001367624.2(ZNF469):c.10481G>C (p.Arg3494Pro)

Gene: ZNF469 (zinc finger protein 469; plus strand). Cytogenetic location: 16q24.2.
Variant type: single nucleotide variant.
Coding change: c.10481G>C on transcript NM_001367624.2 (MANE Select); coding-DNA position 10481, G replaced by C.
Protein change: p.Arg3494Pro; replaces arginine 3494 with proline.
Molecular consequence: missense variant.
Genome position (GRCh38, 1-based): chr16:88,437,951, G>C. VCF-style: chr16-88437951-G-C. GRCh37 (hg19) VCF-style: chr16-88504359-G-C.
Other names: NM_001127464.1:c.10397G>C; short protein forms R3494P.
Identifiers: ClinVar variation 1203014 (VCV001203014.6), dbSNP rs935936614, ClinGen allele CA286386809.